The following is an entry in ClinVar:

ClinVar aggregate classification (germline): Likely pathogenic (1 of 4 stars; one submission).

Conditions:
Nephronophthisis 20 (NPHP20). Identifiers: MedGen C4310640, MONDO:0014997, OMIM 617271.

Submission:

Pediatric Department, Fayoum Faculty of Medicine
Classification: Likely pathogenic for Nephronophthisis 20. Review status: criteria provided, single submitter. Criteria: ACMG Guidelines, 2015. Collection method: clinical testing. Allele origin: germline. Inheritance: Autosomal recessive inheritance. Affected: yes. Observed: 1 homozygote.
Comment: The variant NM_014994.3(MAPKBP1):c.2885+2C>T affects the canonical splice donor site. Variants at the +1/+2 positions are predicted to abolish normal splicing. Loss-of-function in MAPKBP1 is a known disease mechanism for Nephronophthisis-20 (NPHP20; OMIM #617271), inherited in an autosomal recessive manner. (PSV1) This variant is absent from large population databases (gnomAD, ExAC, 1000 Genomes) (PM2). This is a novel variant with no prior reports are available in ClinVar, HGMD, LOVD, or ClinGen. Criteria Applied PVS1 (Very Strong): Canonical splice donor variant in a gene with known loss-of-function disease mechanism. PM2 (Moderate): Absent from population databases. Only 16 cases with MAPKBP1 mutations (Pubmed: 40814602) but this is novel variant

Literature cited by the submitters: PubMed 40814602.

NM_014994.3(MAPKBP1):c.2885+2C>T

Gene: MAPKBP1 (mitogen-activated protein kinase binding protein 1; plus strand). Cytogenetic location: 15q15.1.
Variant type: single nucleotide variant.
Coding change: c.2885+2C>T on transcript NM_014994.3 (MANE Select); the canonical splice donor site of the intron after coding-DNA position 2885, C replaced by T.
Molecular consequence: splice donor variant.
Genome position (GRCh38, 1-based): chr15:41,821,752, C>T. VCF-style: chr15-41821752-C-T. GRCh37 (hg19) VCF-style: chr15-42113950-C-T.
Other names: c.2903+2C>T (NM_001128608.2); c.2885+2C>T (NM_001265611.2).
Identifiers: ClinVar variation 4087723 (VCV004087723.1).